The following is an entry in ClinVar:

NM_000091.5(COL4A3):c.2452G>A (p.Gly818Arg)

Genes: COL4A3 (collagen type IV alpha 3 chain; plus strand), MFF-DT (MFF divergent transcript; minus strand). Cytogenetic location: 2q36.3.
Variant type: single nucleotide variant.
Coding change: c.2452G>A on transcript NM_000091.5 (MANE Select); coding-DNA position 2452, G replaced by A.
Protein change: p.Gly818Arg; replaces glycine 818 with arginine.
Molecular consequence: missense variant.
Genome position (GRCh38, 1-based): chr2:227,280,970, G>A. VCF-style: chr2-227280970-G-A. GRCh37 (hg19) VCF-style: chr2-228145686-G-A.
Other names: short protein forms G818R.
Identifiers: ClinVar variation 447169 (VCV000447169.26), dbSNP rs868002181, ClinGen allele CA66598974.

ClinVar aggregate classification (germline): Pathogenic/Likely pathogenic. Review status: criteria provided, multiple submitters, no conflicts (2 of 4 stars). 15 submissions from 15 submitters: Pathogenic (10); Likely pathogenic (3). 2 of the submissions do not count toward it. Last evaluated 2026-01-26.

Conditions:
Autosomal dominant Alport syndrome (ATS3A). Also called: Alport syndrome dominant type; Renal failure and sensorineural hearing loss; ALPORT SYNDROME 3A, AUTOSOMAL DOMINANT. Identifiers: Orphanet 63, Orphanet 88918, MedGen C5882663, MONDO:0007086, OMIM 104200.
Hematuria, benign familial, 2 (BFH2). Identifiers: MedGen C5830421, MONDO:0958186, OMIM 620320.
Alport syndrome 3b, autosomal recessive. Identifiers: MedGen C5882699, MONDO:0957811, OMIM 620536.
COL4A3-related disorder. Also called: COL4A3-Related Disorders; COL4A3-related condition.
Alport syndrome. Also called: Hemorrhagic familial nephritis; Hemorrhagic hereditary nephritis; Congenital hereditary hematuria. Identifiers: Orphanet 63, MedGen C1567741, MONDO:0018965.
Benign familial hematuria. Also called: thin basement membrane disease. Identifiers: MedGen C0241908, MONDO:0957317.
Hematuria. Identifiers: MedGen C0018965, HP:0000790.

Allele frequency attached by ClinVar (database versions not stated): gnomAD exomes 0.00001 and 0.00008; TOPMed below 0.00001.
gnomAD v4.1: 104 of 1,566,694 alleles (0.0066%); highest among the groups gnomAD compares: Non-Finnish European, 0.0087%; no homozygotes.

Submissions 1 to 7 of 15:

Genetics Laboratory, Great Ormond Street Hospital NHS Foundation Trust, North Thames Genomic Laboratory Hub
Classification: Pathogenic for Haematuria. Last evaluated: 2026-01-26. Review status: criteria provided, single submitter. Criteria: ACGS Best Practice Guidelines for Variant Classification in Rare Disease 2024 v1.2. Collection method: clinical testing. Allele origin: germline. Affected: yes.
Comment: PS4_moderate, PP3_supporting, PM1_strong, PM3_moderate, PP4_supporting

Labcorp Genetics (formerly Invitae), Labcorp
Classification: Pathogenic. Last evaluated: 2025-10-06. Review status: criteria provided, single submitter. Criteria: Invitae Variant Classification Sherloc (09022015). Collection method: clinical testing. Allele origin: germline.
Comment: This sequence change replaces glycine, which is neutral and non-polar, with arginine, which is basic and polar, at codon 818 of the COL4A3 protein (p.Gly818Arg). The frequency data for this variant in the population databases is considered unreliable, as metrics indicate poor data quality at this position in the gnomAD database. This missense change has been observed in individual(s) with clinical features of Alport syndrome (PMID: 24052634, 26346198, 30586318, 30647093, 30773290; internal data). In at least one individual the data is consistent with being in trans (on the opposite chromosome) from a pathogenic variant. ClinVar contains an entry for this variant (Variation ID: 447169). Invitae Evidence Modeling of protein sequence and biophysical properties (such as structural, functional, and spatial information, amino acid conservation, physicochemical variation, residue mobility, and thermodynamic stability) indicates that this missense variant is expected to disrupt COL4A3 protein function with a positive predictive value of 80%. For these reasons, this variant has been classified as Pathogenic.

Natera, Inc.
Classification: Pathogenic for Alport syndrome. Last evaluated: 2025-08-25. Review status: criteria provided, single submitter. Criteria: Natera Variant Classification Schema (03/2026). Collection method: clinical testing. Allele origin: germline.
Comment: The c.2452G>A variant in COL4A3 is a missense variant predicted to cause substitution of glycine to arginine at amino acid 818. This variant is rare in the general population with a frequency below the threshold expected for the associated phenotype(s). This variant has been observed in one or more individuals affected with the associated recessive disease, as either homozygous or compound heterozygous with a second variant (PMID: 24052634, 39588246). This variant is located in a functionally critical region of the protein. Computational prediction algorithms indicate this variant is likely to affect gene or protein function. Given the available evidence, this variant is classified as Pathogenic.

Victorian Clinical Genetics Services, Murdoch Childrens Research Institute
Classification: Pathogenic for Alport syndrome. Last evaluated: 2025-06-26. Review status: criteria provided, single submitter. Criteria: ACMG Guidelines, 2015. Collection method: clinical testing. Allele origin: germline. Affected: yes.
Comment: This variant is classified as Pathogenic. Evidence in support of pathogenic classification: Variant is present in gnomAD (v2) <0.001 for a dominant condition (2 heterozygotes, 0 homozygotes); This variant has strong previous evidence of pathogenicity in unrelated individuals. This variant has been reported in at least five individuals with Alport syndrome, including individuals with both dominant and recessive disease (ClinVar; PMIDs: 24052634, 26346198, 28780565, 30773290); Variant is located in the well-established functional Gly-X-Y motif in the collagen triple helical domain (DECIPHER); Missense variant consistently predicted to be damaging by multiple in silico tools and highly conserved with a major amino acid change. Additional information: Variant is predicted to result in a missense amino acid change from glycine to arginine; This variant is heterozygous; This gene is associated with both recessive and dominant Alport syndrome (MONDO:0018965), COL4A3-related; No published functional evidence has been identified for this variant; No comparable missense variants have previous evidence for pathogenicity; Dominant negative and loss of function are known mechanisms of disease in this gene and are associated with Alport syndrome, MONDO:0018965, COL4A3-related. Glycine changes that are part of a G-X-Y repeat in the triple helix of a collagen domain are known to have a dominant negative effect (PMID: 12028435); Inheritance information for this variant is not currently available in this individual.

Molecular Genetics, Royal Melbourne Hospital
Classification: Pathogenic for Alport syndrome. Last evaluated: 2024-11-04. Review status: criteria provided, single submitter. Criteria: ACMG Guidelines, 2015. Collection method: clinical testing. Allele origin: germline. Inheritance: Semidominant inheritance. Affected: yes.
Comment: This sequence change in COL4A3 is predicted to replace glycine with arginine at codon 818, p.(Gly818Arg). The glycine residue is highly conserved (100 vertebrates, Multiz Alignments). This is a glycine-altering variant that alters a critical glycine residue in a collagen triple helix repeat (Gly-X-Y) in the alpha-IV collagenous domain. Glycine substitutions within this functional domain have a well-established pathogenic dominant-negative effect (PMID: 20301386). There is a large physicochemical difference between glycine and arginine. The highest population minor allele frequency in the population database gnomAD v4.1 is 0.009% (101/1,155,078 alleles) in the European (non-Finnish) population. This variant has been reported heterozygous in at least five individuals with phenotypes consistent with COL4A3-related disease (including haematuria, chronic kidney disease, and focal segmental glomerulosclerosis), and segregates with disease in multiple families (PMID: 28780565, 26346198, 30647093, 30773290, 38993907). This variant has been detected as compound heterozygous in at least two individuals with Alport syndrome, with at least one pathogenic variant confirmed on the second allele (PMID: 24052634, 30586318). Computational evidence predicts a deleterious effect for the missense substitution (REVEL = 0.987) and predicts no impact on splicing (SpliceAI) for the nucleotide change. Based on the classification scheme RMH Modified ACMG/AMP Guidelines v1.7.0, this variant is classified as PATHOGENIC. Following criteria are met: PM1, PM2_Supporting, PM3, PP1_Moderate, PP3_Moderate, PS4_Supporting.

Fulgent Genetics
Classification: Pathogenic for Autosomal dominant Alport syndrome; Hematuria, benign familial, 2; Alport syndrome 3b, autosomal recessive. Last evaluated: 2024-02-29. Review status: criteria provided, single submitter. Criteria: ACMG Guidelines, 2015. Collection method: clinical testing. Allele origin: germline.

Myriad Genetics, Inc.
Classification: Likely pathogenic for Alport syndrome. Last evaluated: 2024-01-30. Review status: criteria provided, single submitter. Criteria: Myriad Autosomal Dominant, Autosomal Recessive and X-Linked Classification Criteria (2023). Collection method: clinical testing. Allele origin: unknown.
Comment: NM_000091.4(COL4A3):c.2452G>A(G818R) is a missense variant classified as likely pathogenic in the context of COL4A3-related Alport syndrome. G818R has been observed in cases with relevant disease (PMID: 30773290, 26346198, 30586318, 28780565). Relevant functional assessments of this variant are available in the literature (PMID: 33851121). G818R has been observed in referenced population frequency databases. In summary, NM_000091.4(COL4A3):c.2452G>A(G818R) is a missense variant that has been observed more frequently in cases with the relevant disease than in healthy populations. Please note: this variant was assessed in the context of healthy population screening.